The following is an entry in ClinVar:

ClinVar aggregate classification (germline): Uncertain significance (1 of 4 stars; one submission).

Conditions:
Catecholaminergic polymorphic ventricular tachycardia (CVPT). Also called: Catecholamine-induced polymorphic ventricular tachycardia. Identifiers: Orphanet 3286, MedGen C5574922, MONDO:0017990.

Submission:

All of Us Research Program, National Institutes of Health
Classification: Uncertain significance for Catecholaminergic polymorphic ventricular tachycardia. Last evaluated: 2023-07-10. Review status: criteria provided, single submitter. Criteria: ACMG Guidelines, 2015. Collection method: clinical testing. Allele origin: germline. Inheritance: Autosomal dominant inheritance. Observed: 1 variant allele, 1 heterozygote.
Comment: This missense variant replaces aspartic acid with glutamic acid at codon 61 of the RYR2 protein. Computational prediction is inconclusive regarding the impact of this variant on protein structure and function (internally defined REVEL score threshold 0.5 < inconclusive < 0.7, PMID: 27666373). To our knowledge, functional studies have not been reported for this variant. This variant has not been reported in individuals affected with RYR2-related disorders in the literature. This variant has not been identified in the general population by the Genome Aggregation Database (gnomAD). The available evidence is insufficient to determine the role of this variant in disease conclusively. Therefore, this variant is classified as a Variant of Uncertain Significance.

This study involves interpretation of variants in research participants for the purpose of population health screening. Participant phenotype was not available at the time of variant classification. Additional details can be found in publication PMID: 35346344, PMCID: PMC8962531

NM_001035.3(RYR2):c.183C>G (p.Asp61Glu)

Gene: RYR2 (ryanodine receptor 2; plus strand). Cytogenetic location: 1q43.
Variant type: single nucleotide variant.
Coding change: c.183C>G on transcript NM_001035.3 (MANE Select); coding-DNA position 183, C replaced by G.
Protein change: p.Asp61Glu; replaces aspartic acid 61 with glutamic acid.
Molecular consequence: missense variant.
Genome position (GRCh38, 1-based): chr1:237,330,892, C>G. VCF-style: chr1-237330892-C-G. GRCh37 (hg19) VCF-style: chr1-237494192-C-G.
Other names: short protein forms D61E.
Identifiers: ClinVar variation 3071472 (VCV003071472.1), dbSNP rs2529153488, ClinGen allele CA345654567.